The following is an entry in ClinVar:

ClinVar aggregate classification (germline): Likely pathogenic (1 of 4 stars; one submission).

Conditions:
Hereditary spherocytosis type 1. Also called: Spherocytosis type 1; ANK1-Related Spherocytosis. Identifiers: Orphanet 822, MedGen C2674218, MONDO:0008447, OMIM 182900.

Submission:

Neuberg Centre For Genomic Medicine, NCGM
Classification: Likely pathogenic for Hereditary spherocytosis type 1. Last evaluated: 2023-06-22. Review status: criteria provided, single submitter. Criteria: ACMG Guidelines, 2015. Collection method: clinical testing. Allele origin: germline. Inheritance: Autosomal recessive inheritance. Affected: yes.
Comment: The observed frameshift variant c.1487_1488dup(p.Asn497ProfsTer37) in the ANK1 gene has not been reported previously as a pathogenic variant nor as a benign variant, to our knowledge. This variant is absent in the gnomAD Exomes. This variant causes a frameshift starting with codon Asparagine 497, changes this amino acid to Proline residue, and creates a premature Stop codon at position 37 of the new reading frame, denoted p.Asn497ProfsTer37. This variant is predicted to cause loss of normal protein function through protein truncation. Loss of function variants have been previously reported to be disease causing (Chai S, et al., 2020). For these reasons, this variant has been classified as Likely Pathogenic.

NM_000037.4(ANK1):c.1487_1488dup (p.Asn497fs)

Gene: ANK1 (ankyrin 1; minus strand). Cytogenetic location: 8p11.21.
Variant type: Duplication.
Coding change: c.1487_1488dup on transcript NM_000037.4 (MANE Select); coding-DNA positions 1487 to 1488, 2 bases duplicated (CC; older notation c.1487_1488dupCC).
Protein change: p.Asn497fs; shifts the reading frame from asparagine 497.
Molecular consequence: frameshift variant.
Genome position (GRCh38, 1-based): chr8:41,715,766-41,715,767, GG duplicated on the plus strand (CC on the coding strand, the reverse complement: ANK1 is on the minus strand); duplicating any 2 consecutive bases within chr8:41,715,766-41,715,769 gives the same sequence; the c. name uses the placement nearest the transcript's 3' end. VCF-style (leftmost placement, unchanged base first): chr8-41715765-T-TGG. GRCh37 (hg19) VCF-style: chr8-41573283-T-TGG.
Other names: c.1586_1587dup, p.Asn530fs (NM_001142446.2); c.1487_1488dup, p.Asn497fs (NM_020475.3, NM_020476.3, NM_020477.3); short protein forms N497fs, N530fs.
Identifiers: ClinVar variation 3377632 (VCV003377632.1).